The following is an entry in ClinVar:

NM_000722.4(CACNA2D1):c.296G>A (p.Arg99His)

Gene: CACNA2D1 (calcium voltage-gated channel auxiliary subunit alpha2delta 1; minus strand). Cytogenetic location: 7q21.11.
Variant type: single nucleotide variant.
Coding change: c.296G>A on transcript NM_000722.4 (MANE Select); coding-DNA position 296, G replaced by A.
Protein change: p.Arg99His; replaces arginine 99 with histidine.
Molecular consequence: missense variant.
Genome position (GRCh38, 1-based): chr7:82,170,608, C>T on the plus strand (G>A on the coding strand, the complement: CACNA2D1 is on the minus strand). VCF-style: chr7-82170608-C-T. GRCh37 (hg19) VCF-style: chr7-81799924-C-T.
Other names: c.296G>A, p.Arg99His (NM_001302890.2, NM_001366867.1); short protein forms R99H.
Identifiers: ClinVar variation 2151471 (VCV002151471.6), dbSNP rs562957992, ClinGen allele CA4318419.

ClinVar aggregate classification (germline): Uncertain significance. Review status: criteria provided, multiple submitters, no conflicts (2 of 4 stars). 2 submissions from 2 submitters: Uncertain significance (2). Last evaluated 2025-08-03.

Conditions:
Brugada syndrome. Also called: Sudden unexpected nocturnal death syndrome; Sudden Unexplained Death Syndrome; Sudden Unexplained Nocturnal Death Syndrome (SUNDS); Sudden unexplained nocturnal death syndrome. Identifiers: Orphanet 130, MedGen C1142166, MONDO:0015263.
Cardiovascular phenotype. Identifiers: MedGen CN230736.

Allele frequency attached by ClinVar (database versions not stated): ExAC 0.00001.
gnomAD v4.1: 25 of 1,612,182 alleles (0.0016%); highest among the groups gnomAD compares: African/African-American, 0.0067%; no homozygotes.

Submissions (2):

Labcorp Genetics (formerly Invitae), Labcorp
Classification: Uncertain significance for Brugada syndrome. Last evaluated: 2025-08-03. Review status: criteria provided, single submitter. Criteria: Invitae Variant Classification Sherloc (09022015). Collection method: clinical testing. Allele origin: germline.
Comment: This sequence change replaces arginine, which is basic and polar, with histidine, which is basic and polar, at codon 99 of the CACNA2D1 protein (p.Arg99His). This variant is present in population databases (rs562957992, gnomAD 0.01%). This variant has not been reported in the literature in individuals affected with CACNA2D1-related conditions. ClinVar contains an entry for this variant (Variation ID: 2151471). An algorithm developed to predict the effect of missense changes on protein structure and function (PolyPhen-2) suggests that this variant is likely to be tolerated. In summary, the available evidence is currently insufficient to determine the role of this variant in disease. Therefore, it has been classified as a Variant of Uncertain Significance.

Ambry Genetics
Classification: Uncertain significance for Cardiovascular phenotype. Last evaluated: 2025-08-01. Review status: criteria provided, single submitter. Criteria: Ambry Variant Classification Scheme 2023. Collection method: clinical testing. Allele origin: germline.